The following is an entry in ClinVar:

NM_014845.6(FIG4):c.1584-317T>C

Gene: FIG4 (FIG4 phosphoinositide 5-phosphatase; plus strand). Cytogenetic location: 6q21.
Variant type: single nucleotide variant.
Coding change: c.1584-317T>C on transcript NM_014845.6 (MANE Select); 317 bases into the intron before coding-DNA position 1584, T replaced by C.
Molecular consequence: intron variant.
Genome position (GRCh38, 1-based): chr6:109,766,412, T>C. VCF-style: chr6-109766412-T-C. GRCh37 (hg19) VCF-style: chr6-110087615-T-C.
Identifiers: ClinVar variation 668741 (VCV000668741.1), dbSNP rs17612996, ClinGen allele CA12204279.

ClinVar aggregate classification (germline): Benign (1 of 4 stars; one submission).

Allele frequency attached by ClinVar (database versions not stated): 1000 Genomes Project 0.19748; 1000 Genomes Project 30x 0.19988; TOPMed 0.29188; gnomAD 0.30012 and 0.30919.
gnomAD v4.1: 45,596 of 152,154 alleles (30%); highest among the groups gnomAD compares: Non-Finnish European, 37%; 7,398 homozygotes.

Submission:

GeneDx
Classification: Benign. Last evaluated: 2018-06-19. Review status: criteria provided, single submitter. Criteria: GeneDx Variant Classification (06012015). Collection method: clinical testing. Allele origin: germline. Affected: yes.
Comment: This variant is considered likely benign or benign based on one or more of the following criteria: it is a conservative change, it occurs at a poorly conserved position in the protein, it is predicted to be benign by multiple in silico algorithms, and/or has population frequency not consistent with disease.